The following is an entry in ClinVar:

ClinVar aggregate classification (germline): Benign (1 of 4 stars; one submission).

Conditions:
Weill-Marchesani 4 syndrome, recessive. Also called: Weill-Marchesani syndrome 4. Identifiers: Orphanet 363992, MedGen C2750787, MONDO:0013176, OMIM 613195.

Allele frequency attached by ClinVar (database versions not stated): gnomAD exomes 0.00877; gnomAD 0.00973 and 0.01034; TOPMed 0.01081; 1000 Genomes Project 0.01138; 1000 Genomes Project 30x 0.01140.

Submission:

Illumina Laboratory Services, Illumina
Classification: Benign for Weill-Marchesani 4 syndrome, recessive. Last evaluated: 2018-01-13. Review status: criteria provided, single submitter. Criteria: ICSL Variant Classification Criteria 13 December 2019. Collection method: clinical testing. Allele origin: germline.
Comment: This variant was observed in the ICSL laboratory as part of a predisposition screen in an ostensibly healthy population. It had not been previously curated by ICSL or reported in the Human Gene Mutation Database (HGMD: prior to June 1st, 2018), and was therefore a candidate for classification through an automated scoring system. Utilizing variant allele frequency, disease prevalence and penetrance estimates, and inheritance mode, an automated score was calculated to assess if this variant is too frequent to cause the disease. Based on the score and internal cut-off values, a variant classified as benign is not then subjected to further curation. The score for this variant resulted in a classification of benign for this disease.

NM_139057.4(ADAMTS17):c.*989G>A

Gene: ADAMTS17 (ADAM metallopeptidase with thrombospondin type 1 motif 17; minus strand). Cytogenetic location: 15q26.3.
Variant type: single nucleotide variant.
Coding change: c.*989G>A on transcript NM_139057.4 (MANE Select); 989 bases downstream of the stop codon, G replaced by A.
Molecular consequence: 3 prime UTR variant.
Genome position (GRCh38, 1-based): chr15:99,973,413, C>T on the plus strand (G>A on the coding strand, the complement: ADAMTS17 is on the minus strand). VCF-style: chr15-99973413-C-T. GRCh37 (hg19) VCF-style: chr15-100513618-C-T.
Identifiers: ClinVar variation 315204 (VCV000315204.5), dbSNP rs57279107, ClinGen allele CA10642850.